The following is an entry in ClinVar:

NM_020117.11(LARS1):c.3126C>T (p.Ser1042=)

Gene: LARS1 (leucyl-tRNA synthetase 1; minus strand). Cytogenetic location: 5q32.
Variant type: single nucleotide variant.
Coding change: c.3126C>T on transcript NM_020117.11 (MANE Select); coding-DNA position 3126, C replaced by T.
Protein change: p.Ser1042=; no amino-acid change (serine 1042 retained).
Molecular consequence: synonymous variant.
Genome position (GRCh38, 1-based): chr5:146,122,558, G>A on the plus strand (C>T on the coding strand, the complement: LARS1 is on the minus strand). VCF-style: chr5-146122558-G-A. GRCh37 (hg19) VCF-style: chr5-145502121-G-A.
Other names: c.2988C>T, p.Ser996= (NM_001317964.2); c.2964C>T, p.Ser988= (NM_001317965.2); c.3045C>T, p.Ser1015= (NM_016460.4).
Identifiers: ClinVar variation 515008 (VCV000515008.1), dbSNP rs748343914, ClinGen allele CA3489111.

ClinVar aggregate classification (germline): Likely benign (1 of 4 stars; one submission).

Allele frequency attached by ClinVar (database versions not stated): gnomAD 0.00004 and 0.00005; gnomAD exomes 0.00004; ExAC 0.00007; TOPMed 0.00007.
gnomAD v4.1: 60 of 1,608,902 alleles (0.0037%); highest among the groups gnomAD compares: East Asian, 0.0089%; no homozygotes.

Submission:

GeneDx
Classification: Likely benign. Last evaluated: 2018-02-08. Review status: criteria provided, single submitter. Criteria: GeneDx Variant Classification (06012015). Collection method: clinical testing. Allele origin: germline. Affected: yes.
Comment: This variant is considered likely benign or benign based on one or more of the following criteria: it is a conservative change, it occurs at a poorly conserved position in the protein, it is predicted to be benign by multiple in silico algorithms, and/or has population frequency not consistent with disease.